The following is an entry in ClinVar:

NM_004991.4(MECOM):c.2180C>A (p.Pro727Gln)

Gene: MECOM (MDS1 and EVI1 complex locus; minus strand). Cytogenetic location: 3q26.2.
Variant type: single nucleotide variant.
Coding change: c.2180C>A on transcript NM_004991.4 (MANE Select); coding-DNA position 2180, C replaced by A.
Protein change: p.Pro727Gln; replaces proline 727 with glutamine.
Molecular consequence: missense variant.
Genome position (GRCh38, 1-based): chr3:169,115,692, G>T on the plus strand (C>A on the coding strand, the complement: MECOM is on the minus strand). VCF-style: chr3-169115692-G-T. GRCh37 (hg19) VCF-style: chr3-168833480-G-T.
Other names: c.1811C>A, p.Pro604Gln (NM_001105077.4); c.1616C>A, p.Pro539Gln (NM_001105078.4, NM_001164000.2, NM_001205194.2 and 4 more transcripts); c.1619C>A, p.Pro540Gln (NM_001163999.2, NM_001366467.2, NM_001366468.2 and 1 more transcripts); c.2180C>A, p.Pro727Gln (NM_001366466.2); c.1208C>A, p.Pro403Gln (NM_001366473.2); c.644C>A, p.Pro215Gln (NM_001366474.2); short protein forms P540Q, P727Q, P215Q, P539Q, P403Q, P604Q.
Identifiers: ClinVar variation 3871734 (VCV003871734.1).

ClinVar aggregate classification (germline): Uncertain significance (1 of 4 stars; one submission).

Conditions:
Inborn genetic diseases. Identifiers: MedGen C0950123, MeSH D030342.

Submission:

Ambry Genetics
Classification: Uncertain significance for Inborn genetic diseases. Last evaluated: 2025-01-20. Review status: criteria provided, single submitter. Criteria: Ambry Variant Classification Scheme 2023. Collection method: clinical testing. Allele origin: germline.
Comment: The p.P727Q variant (also known as c.2180C>A), located in coding exon 8 of the MECOM gene, results from a C to A substitution at nucleotide position 2180. The proline at codon 727 is replaced by glutamine, an amino acid with similar properties. This amino acid position is conserved. In addition, this alteration is predicted to be tolerated by in silico analysis. Based on the available evidence, the clinical significance of this variant remains unclear.